The following is an entry in ClinVar:

ClinVar aggregate classification (germline): Likely pathogenic (1 of 4 stars; one submission).

Submission:

Mayo Clinic Laboratories, Mayo Clinic
Classification: Likely pathogenic. Last evaluated: 2020-11-12. Review status: criteria provided, single submitter. Criteria: ACMG Guidelines, 2015. Collection method: clinical testing. Allele origin: germline. Observed: 1 variant allele.
Comment: PVS1_Strong, PM2_Supporting

NM_000089.4(COL1A2):c.1349_1350+2del

Gene: COL1A2 (collagen type I alpha 2 chain; plus strand). Cytogenetic location: 7q21.3.
Variant type: Deletion.
Coding change: c.1349_1350+2del on transcript NM_000089.4 (MANE Select); coding-DNA position 1349 through the canonical splice donor site of the intron after coding-DNA position 1350, 4 bases deleted (GAGT; older notation c.1349_1350+2delGAGT).
Molecular consequence: splice donor variant.
Genome position (GRCh38, 1-based): chr7:94,411,153-94,411,156, GAGT deleted. VCF-style (leftmost placement, unchanged base first): chr7-94411152-AGAGT-A. GRCh37 (hg19) VCF-style: chr7-94040464-AGAGT-A.
Identifiers: ClinVar variation 1163006 (VCV001163006.5), dbSNP rs2115899670, ClinGen allele CA2499219068.